The following is an entry in ClinVar:

ClinVar aggregate classification (germline): Likely benign (0 of 4 stars; one submission).

Conditions:
DNAH17-related disorder. Also called: DNAH17-related condition.

Allele frequency attached by ClinVar (database versions not stated): gnomAD exomes 0.00013; ExAC 0.00060; TOPMed 0.00170; gnomAD 0.00173; ESP Exome Variant Server 0.00238; 1000 Genomes Project 0.00240; 1000 Genomes Project 30x 0.00250.
gnomAD v4.1: 457 of 1,613,952 alleles (0.028%); highest among the groups gnomAD compares: African/African-American, 0.57%; 1 homozygote.

Submission:

PreventionGenetics, part of Exact Sciences
Classification: Likely benign for DNAH17-related condition. Last evaluated: 2019-05-24. Review status: no assertion criteria provided. Collection method: clinical testing. Allele origin: germline.
Comment: This variant is classified as likely benign based on ACMG/AMP sequence variant interpretation guidelines (Richards et al. 2015 PMID: 25741868, with internal and published modifications).

NM_173628.4(DNAH17):c.9958G>T (p.Val3320Leu)

Gene: DNAH17 (dynein axonemal heavy chain 17; minus strand). Cytogenetic location: 17q25.3.
Variant type: single nucleotide variant.
Coding change: c.9958G>T on transcript NM_173628.4 (MANE Select); coding-DNA position 9958, G replaced by T.
Protein change: p.Val3320Leu; replaces valine 3320 with leucine.
Molecular consequence: missense variant.
Genome position (GRCh38, 1-based): chr17:78,458,584, C>A on the plus strand (G>T on the coding strand, the complement: DNAH17 is on the minus strand). VCF-style: chr17-78458584-C-A. GRCh37 (hg19) VCF-style: chr17-76454666-C-A.
Other names: short protein forms V3320L.
Identifiers: ClinVar variation 3038769 (VCV003038769.2), dbSNP rs144501347, ClinGen allele CA8801070.